The following is an entry in ClinVar:

ClinVar aggregate classification (germline): Uncertain significance (1 of 4 stars; one submission).

Conditions:
Immunodeficiency 35 (IMD35). Also called: TYK2 DEFICIENCY; Susceptibility to infection due to TYK2 deficiency; HIES WITH ATYPICAL MYCOBACTERIOSIS, AUTOSOMAL RECESSIVE; HYPER-IgE SYNDROME WITH ATYPICAL MYCOBACTERIOSIS, AUTOSOMAL RECESSIVE. Identifiers: Orphanet 331226, MedGen C1969086, MONDO:0012682, OMIM 611521.

Allele frequency attached by ClinVar (database versions not stated): ExAC 0.00001; gnomAD exomes 0.00001.

Submission:

Labcorp Genetics (formerly Invitae), Labcorp
Classification: Uncertain significance for Immunodeficiency 35. Last evaluated: 2024-12-09. Review status: criteria provided, single submitter. Criteria: Invitae Variant Classification Sherloc (09022015). Collection method: clinical testing. Allele origin: germline.
Comment: This sequence change replaces threonine, which is neutral and polar, with serine, which is neutral and polar, at codon 67 of the TYK2 protein (p.Thr67Ser). This variant is present in population databases (rs774905892, gnomAD 0.002%). This variant has not been reported in the literature in individuals affected with TYK2-related conditions. ClinVar contains an entry for this variant (Variation ID: 840404). An algorithm developed to predict the effect of missense changes on protein structure and function (PolyPhen-2) suggests that this variant is likely to be tolerated. In summary, the available evidence is currently insufficient to determine the role of this variant in disease. Therefore, it has been classified as a Variant of Uncertain Significance.

NM_003331.5(TYK2):c.200C>G (p.Thr67Ser)

Gene: TYK2 (tyrosine kinase 2; minus strand). Cytogenetic location: 19p13.2.
Variant type: single nucleotide variant.
Coding change: c.200C>G on transcript NM_003331.5 (MANE Select); coding-DNA position 200, C replaced by G.
Protein change: p.Thr67Ser; replaces threonine 67 with serine.
Molecular consequence: missense variant.
Genome position (GRCh38, 1-based): chr19:10,368,412, G>C on the plus strand (C>G on the coding strand, the complement: TYK2 is on the minus strand). VCF-style: chr19-10368412-G-C. GRCh37 (hg19) VCF-style: chr19-10479088-G-C.
Other names: short protein forms T67S.
Identifiers: ClinVar variation 840404 (VCV000840404.7), dbSNP rs774905892, ClinGen allele CA9193812.
Genomic context (GRCh38, chr19:10,368,412, plus strand): 5'-GGGGGCAACCAGACTTGGGCCTGAGCATCGAAGAGGGCAAAGAGATTGAAGCAAGGAGGA[G>C]TGATACCTGGATCAGGTGAGAAACGAGGTCAGGAGTCACGTCATTTGCTACCGTCAGCCC-3'
Protein context (NP_003322.3, residues 57-77): CIHIAHKVGI[Thr67Ser]PPCFNLFALF